The following is an entry in ClinVar:

NM_000277.3(PAH):c.58C>T (p.Gln20Ter)

Gene: PAH (phenylalanine hydroxylase; minus strand). Cytogenetic location: 12q23.2.
Variant type: single nucleotide variant.
Coding change: c.58C>T on transcript NM_000277.3 (MANE Select); coding-DNA position 58, C replaced by T.
Protein change: p.Gln20Ter; replaces glutamine 20 with a stop codon.
Molecular consequence: nonsense.
Genome position (GRCh38, 1-based): chr12:102,917,073, G>A on the plus strand (C>T on the coding strand, the complement: PAH is on the minus strand). VCF-style: chr12-102917073-G-A. GRCh37 (hg19) VCF-style: chr12-103310851-G-A.
Other names: c.58C>T (NM_000277.2); c.58C>T, p.Gln20Ter (NM_001354304.2); short protein forms Q20*.
Identifiers: ClinVar variation 102744 (VCV000102744.56), dbSNP rs199475585, ClinGen allele CA229635.

ClinVar aggregate classification (germline): Pathogenic. Review status: reviewed by expert panel (3 of 4 stars). 8 submissions from 8 submitters: Pathogenic (1). 7 of the submissions do not count toward it. Last evaluated 2019-02-26.

Conditions:
Phenylketonuria (PKU). Also called: FOLLING DISEASE; Phenylketonurias; OLIGOPHRENIA PHENYLPYRUVICA; Phenylketonuria (PKU). Identifiers: Orphanet 716, MedGen C0031485, MONDO:0009861, OMIM 261600. Disease mechanism: loss of function.

Allele frequency attached by ClinVar (database versions not stated): gnomAD exomes below 0.00001.
gnomAD v4.1: 4 of 1,614,196 alleles (0.00025%); highest among the groups gnomAD compares: Non-Finnish European, 0.00034%; no homozygotes.

Submissions (8):

ClinGen PAH Variant Curation Expert Panel
Classification: Pathogenic for Phenylketonuria. Last evaluated: 2019-02-26. Review status: reviewed by expert panel. Criteria: ClinGen PAH ACMG Specifications v1. Collection method: curation. Allele origin: germline. Inheritance: Autosomal recessive inheritance.
Comment: Pathogenic: The c.58C>T (p.Gln20Ter) is a null variant reported in one patient with classic PKU phenotype (PVS1, PP4, PMID: 9391881). This variant is absent from population databases, including gnomAD, 1000 Genomes, and ESP (PM2). In summary, this variant meets criteria to be classified as likely pathogenic for PAH. PAH-specific ACMG/AMP criteria applied: PVS1, PM2, PP4.

Natera, Inc.
Classification: Pathogenic for Phenylketonuria. Last evaluated: 2025-10-01. Review status: criteria provided, single submitter. Criteria: Natera Variant Classification Schema (03/2026). Collection method: clinical testing. Allele origin: germline. Not counted in ClinVar's aggregate classification.
Comment: The c.58C>T variant in PAH is a nonsense variant predicted to introduce a stop codon at amino acid 20. This variant is expected to result in nonsense mediated decay, truncation, or a dysfunctional protein product. This variant is rare in the general population with a frequency below the threshold expected for the associated phenotype(s). This variant has been observed in one or more individuals affected with the associated recessive disease, as either homozygous or compound heterozygous with a second variant (PMID: 23764561, 16879198). Given the available evidence, this variant is classified as Pathogenic.

Labcorp Genetics (formerly Invitae), Labcorp
Classification: Pathogenic for Phenylketonuria. Last evaluated: 2025-09-07. Review status: criteria provided, single submitter. Criteria: Invitae Variant Classification Sherloc (09022015). Collection method: clinical testing. Allele origin: germline. Not counted in ClinVar's aggregate classification.
Comment: This sequence change creates a premature translational stop signal (p.Gln20*) in the PAH gene. It is expected to result in an absent or disrupted protein product. Loss-of-function variants in PAH are known to be pathogenic (PMID: 1301187, 9634518). This variant is not present in population databases (gnomAD no frequency). This premature translational stop signal has been observed in individuals with phenylketonuria (PKU) (PMID: 9391881, 23357515, 23430547, 23764561, 27121329). ClinVar contains an entry for this variant (Variation ID: 102744). Algorithms developed to predict the effect of sequence changes on RNA splicing suggest that this variant may disrupt the consensus splice site. For these reasons, this variant has been classified as Pathogenic.

GeneDx
Classification: Pathogenic. Last evaluated: 2021-05-24. Review status: criteria provided, single submitter. Criteria: GeneDx Variant Classification Process June 2021. Collection method: clinical testing. Allele origin: germline. Affected: yes. Not counted in ClinVar's aggregate classification.
Comment: Reported in multiple individuals with classic phenylketonuria (PKU) or mild hyperphenylalaninemia (HPA) in the presence of a second pathogenic variant (Stojiljkovic et al., 2006; Quirk et al., 2012); Nonsense variant predicted to result in protein truncation or nonsense mediated decay in a gene for which loss-of-function is a known mechanism of disease; Not observed at significant frequency in large population cohorts (gnomAD); Responsiveness to BH4 therapy is unclear (Djordjevic et al., 2013); This variant is associated with the following publications: (PMID: 23357515, 27121329, 1301187, 25525159, 9284280, 9391881, 23764561, 23430547, 9634518, 16879198, 22841515, 32668217)

Women's Health and Genetics/Laboratory Corporation of America, LabCorp
Classification: Pathogenic for Phenylketonuria. Last evaluated: 2020-05-25. Review status: criteria provided, single submitter. Criteria: LabCorp Variant Classification Summary - May 2015. Collection method: clinical testing. Allele origin: germline. Not counted in ClinVar's aggregate classification.
Comment: Variant summary: PAH c.58C>T (p.Gln20X) results in a premature termination codon, predicted to cause a truncation of the encoded protein or absence of the protein due to nonsense mediated decay, which are commonly known mechanisms for disease. Truncations downstream of this position have been classified as pathogenic by our laboratory. The variant was absent in 251430 control chromosomes. c.58C>T has been reported in the literature in multiple individuals affected with Phenylalanine Hydroxylase Deficiency (Phenylketonuria) (example, Kozak_1997, Guldberg_1998, Quirk_2012, Djordjevic_2013, Polak_2013, Reblova_2013). These data indicate that the variant is very likely to be associated with disease. To our knowledge, no experimental evidence demonstrating an impact on protein function has been reported. One clinical diagnostic laboratory and one expert panel (ClinGen) have submitted clinical-significance assessments for this variant to ClinVar after 2014 without evidence for independent evaluation. All submitters classified the variant as pathogenic. Based on the evidence outlined above, the variant was classified as pathogenic.

CeGaT Center for Human Genetics Tuebingen
Classification: Pathogenic. Last evaluated: 2019-10-01. Review status: criteria provided, single submitter. Criteria: CeGaT Center For Human Genetics Tuebingen Variant Classification Criteria Version 2. Collection method: clinical testing. Allele origin: germline. Affected: yes. Observed: 1 variant allele. Not counted in ClinVar's aggregate classification.

Counsyl
Classification: Likely pathogenic for Phenylketonuria. Last evaluated: 2014-11-12. Review status: no assertion criteria provided. Collection method: literature only. Allele origin: unknown. Inheritance: Autosomal recessive inheritance. Not counted in ClinVar's aggregate classification.

DeBelle Laboratory for Biochemical Genetics, MUHC/MCH RESEARCH INSTITUTE
No classification provided. Review status: no classification provided. Collection method: not provided. Allele origin: not provided. Not counted in ClinVar's aggregate classification.

Literature cited by the submitters: PubMed 9391881 (cited by 4 submitters); PubMed 23764561 (cited by 4 submitters); PubMed 16879198 (cited by Natera, Inc. and Counsyl); PubMed 1301187 (cited by Labcorp Genetics (formerly Invitae), Labcorp); PubMed 9634518 (cited by 3 submitters); PubMed 23357515 (cited by 3 submitters); PubMed 23430547 (cited by 3 submitters); PubMed 27121329 (cited by Labcorp Genetics (formerly Invitae), Labcorp); PubMed 22841515 (cited by Women's Health and Genetics/Laboratory Corporation of America, LabCorp and Counsyl); PubMed 9284280 (cited by Counsyl).